The following is an entry in ClinVar:

ClinVar aggregate classification (germline): Conflicting classifications of pathogenicity. Review status: criteria provided, conflicting classifications (1 of 4 stars). 5 submissions from 5 submitters: Uncertain significance (3); Likely benign (1). 1 of the submissions does not count toward it. Last evaluated 2026-03-06.

Conditions:
Annular epidermolytic ichthyosis. Identifiers: Orphanet 281139, MedGen C1843463, MONDO:0011870.
Congenital reticular ichthyosiform erythroderma (IWC). Also called: ICHTHYOSIS WITH CONFETTI. Identifiers: Orphanet 281190, MedGen C3665704, MONDO:0012208, OMIM 609165.
Epidermolytic ichthyosis. Also called: Epidermolytic Hyperkeratosis; Bullous ichthyosiform erythroderma; KRT10-Related Epidermolytic Hyperkeratosis; Congenital bullous ichthyosiform erythroderma. Identifiers: Orphanet 312, MedGen C0079153, MONDO:0007239, HP:0007475.

Submissions (5):

GeneDx
Classification: Uncertain significance. Last evaluated: 2026-03-06. Review status: criteria provided, single submitter. Criteria: GeneDx Variant Classification Process June 2021. Collection method: clinical testing. Allele origin: germline.
Comment: Not observed at significant frequency in large population cohorts (gnomAD); In-frame insertion of 20 amino acids in a repetitive region with no known function; Has not been previously published as pathogenic or benign to our knowledge

Labcorp Genetics (formerly Invitae), Labcorp
Classification: Uncertain significance. Last evaluated: 2026-01-01. Review status: criteria provided, single submitter. Criteria: Invitae Variant Classification Sherloc (09022015). Collection method: clinical testing. Allele origin: germline.
Comment: This variant, c.1683_1684insAGCTCCGGCGGCGGATACGGCGGCGGCAGCAGCTCCGGCGGCGGATACGGCGGCGGCAGC, results in the insertion of 20 amino acid(s) of the KRT10 protein (p.Gly565_His566insGlyTyrGlyGlyGlySerSerSerGlyGlyGlyTyrGlyGlyGlySerSerSerGlyGly), but otherwise preserves the integrity of the reading frame. This variant is not present in population databases (gnomAD no frequency). This variant has not been reported in the literature in individuals affected with KRT10-related conditions. Experimental studies and prediction algorithms are not available or were not evaluated, and the functional significance of this variant is currently unknown. In summary, the available evidence is currently insufficient to determine the role of this variant in disease. Therefore, it has been classified as a Variant of Uncertain Significance.

Laboratory of Genetics, Children's Clinical University Hospital Latvia
Classification: Likely benign. Last evaluated: 2025-02-16. Review status: criteria provided, single submitter. Criteria: ACMG Guidelines, 2015. Collection method: clinical testing. Allele origin: germline. Affected: yes.

Fulgent Genetics
Classification: Uncertain significance for Epidermolytic hyperkeratosis 1; Ichthyosis, annular epidermolytic 1; Congenital reticular ichthyosiform erythroderma. Last evaluated: 2022-01-28. Review status: criteria provided, single submitter. Criteria: ACMG Guidelines, 2015. Collection method: clinical testing. Allele origin: unknown.

Department of Pathology and Laboratory Medicine, Sinai Health System
Classification: Uncertain significance. Review status: no assertion criteria provided. Collection method: clinical testing. Allele origin: unknown. Affected: yes. Study: The Canadian Open Genetics Repository (COGR). Not counted in ClinVar's aggregate classification.
Comment: The KRT10 p.Gly565_His566ins20 variant was not identified in the literature nor was it identified in dbSNP, ClinVar, LOVD 3.0 or the following control databases: the 1000 Genomes Project, the NHLBI GO Exome Sequencing Project, the Exome Aggregation Consortium (August 8th 2016), or the Genome Aggregation Database (Feb 27, 2017). This variant is an in-frame insertion resulting in the insertion of 20 amino acids beginning at codon 565; the impact of this alteration on KRT10 protein function is not known. In summary, based on the above information the clinical significance of this variant cannot be determined with certainty at this time. This variant is classified as a variant of uncertain significance.

NM_000421.5(KRT10):c.1654AGCTCCGGCGGCGGATACGGCGGCGGCAGC[3] (p.556GYGGGSSSGG[3])

Gene: KRT10 (keratin 10; minus strand). Cytogenetic location: 17q21.2.
Variant type: Microsatellite.
Coding change: c.1654AGCTCCGGCGGCGGATACGGCGGCGGCAGC[3] on transcript NM_000421.5 (MANE Select); three copies in a row of the 30-base unit AGCTCCGGCGGCGGATACGGCGGCGGCAGC starting at c.1654.
Protein change: p.556GYGGGSSSGG[3].
Molecular consequence: inframe insertion.
Genome position: GRCh38, VCF-style position (the base before the change): chr17:40,818,851. GRCh37 (hg19), VCF-style position (the base before the change): chr17:38,975,103.
Other names: c.1654AGCTCCGGCGGCGGATACGGCGGCGGCAGC[3], p.556GYGGGSSSGG[3] (NM_001379366.1); c.1683_1684insAGCTCCGGCGGCGGATACGGCGGCGGCAGCAGCTCCGGCGGCGGATACGGCGGCGGCAGC (NM_000421.3).
Identifiers: ClinVar variation 1049274 (VCV001049274.10), dbSNP rs776920005, ClinGen allele CA500185734.